The following is an entry in ClinVar:

NM_007294.4(BRCA1):c.4266dup (p.Ser1423fs)

Gene: BRCA1 (BRCA1 DNA repair associated; minus strand). Cytogenetic location: 17q21.31.
Variant type: Duplication.
Coding change: c.4266dup on transcript NM_007294.4 (MANE Select); coding-DNA position 4266, one base duplicated (G; older notation c.4266dupG).
Protein change: p.Ser1423fs; shifts the reading frame from serine 1423.
Molecular consequence: frameshift variant. On other transcripts: non-coding transcript variant (1).
Genome position (GRCh38, 1-based): chr17:43,082,495, C duplicated on the plus strand (G on the coding strand, the reverse complement: BRCA1 is on the minus strand); the first of 3 consecutive C bases (chr17:43,082,495-43,082,497); duplicating any one gives the same sequence. VCF-style (leftmost placement, unchanged base first): chr17-43082494-T-TC. GRCh37 (hg19) VCF-style: chr17-41234511-T-TC.
Other names: 4382insG; c.4266dupG (NM_007294.3); c.616dup, p.Ser207Glufs (NM_001408508.1, NM_001408509.1); c.574dup, p.Ser193Glufs (NM_001408510.1); c.571dup, p.Ser192Glufs (NM_001408511.1); c.451dup, p.Ser152Glufs (NM_001408512.1); c.742dup, p.Ser249Glufs (NM_001408513.1, NM_001408489.1, NM_001408490.1 and 3 more transcripts); c.745dup, p.Ser250Glufs (NM_001408514.1, NM_001408478.1, NM_001408479.1 and 6 more transcripts); and 56 more; short protein forms S320fs, S1423fs, S1376fs.
Identifiers: ClinVar variation 55159 (VCV000055159.10), dbSNP rs397509158, ClinGen allele CA327926.

ClinVar aggregate classification (germline): Pathogenic. Review status: reviewed by expert panel (3 of 4 stars). 3 submissions from 3 submitters: Pathogenic (1). 2 of the submissions do not count toward it. Last evaluated 2016-04-22.

Conditions:
Breast-ovarian cancer, familial, susceptibility to, 1 (BROVCA1). Also called: BRCA1 Hereditary Breast and Ovarian Cancer; OVARIAN CANCER, SUSCEPTIBILITY TO. Identifiers: Orphanet 145, MedGen C2676676, MONDO:0011450, OMIM 604370. Disease mechanism: loss of function.
Hereditary breast ovarian cancer syndrome. Also called: BRCA1- and BRCA2-Associated Hereditary Breast and Ovarian Cancer; Hereditary breast and ovarian cancer syndrome; Hereditary breast and ovarian cancer syndrome (HBOC); Breast and ovarian cancer; Hereditary breast and/or ovarian cancer syndrome; Hereditary breast and ovarian cancer. Identifiers: Orphanet 145, MedGen C0677776, MeSH D061325, MONDO:0003582. Disease mechanism: loss of function.

Submissions (3):

Evidence-based Network for the Interpretation of Germline Mutant Alleles (ENIGMA)
Classification: Pathogenic for Breast-ovarian cancer, familial, susceptibility to, 1. Last evaluated: 2016-04-22. Review status: reviewed by expert panel. Criteria: ENIGMA BRCA1/2 Classification Criteria (2015). Collection method: curation. Allele origin: germline.
Comment: Variant allele predicted to encode a truncated non-functional protein.

Labcorp Genetics (formerly Invitae), Labcorp
Classification: Pathogenic for Hereditary breast ovarian cancer syndrome. Last evaluated: 2022-02-10. Review status: criteria provided, single submitter. Criteria: Invitae Variant Classification Sherloc (09022015). Collection method: clinical testing. Allele origin: germline. Not counted in ClinVar's aggregate classification.
Comment: For these reasons, this variant has been classified as Pathogenic. ClinVar contains an entry for this variant (Variation ID: 55159). This variant has not been reported in the literature in individuals affected with BRCA1-related conditions. This variant is not present in population databases (gnomAD no frequency). This sequence change creates a premature translational stop signal (p.Ser1423Glufs*5) in the BRCA1 gene. It is expected to result in an absent or disrupted protein product. Loss-of-function variants in BRCA1 are known to be pathogenic (PMID: 20104584).

Consortium of Investigators of Modifiers of BRCA1/2 (CIMBA), c/o University of Cambridge
Classification: Pathogenic for Breast-ovarian cancer, familial, susceptibility to, 1. Last evaluated: 2015-10-02. Review status: criteria provided, single submitter. Criteria: CIMBA Mutation Classification guidelines May 2016. Collection method: clinical testing. Allele origin: germline. Not counted in ClinVar's aggregate classification.

Literature cited by the submitters: PubMed 20104584 (cited by Labcorp Genetics (formerly Invitae), Labcorp).